The following is an entry in ClinVar:

ClinVar aggregate classification (germline): Pathogenic/Likely pathogenic. Review status: criteria provided, multiple submitters, no conflicts (2 of 4 stars). 4 submissions from 4 submitters: Pathogenic (1); Likely pathogenic (3). Last evaluated 2025-12-15.

Conditions:
Pontocerebellar hypoplasia type 6 (PCH6). Identifiers: Orphanet 166073, MedGen C1969084, MONDO:0012683, OMIM 611523.

Allele frequency attached by ClinVar (database versions not stated): gnomAD exomes below 0.00001; gnomAD 0.00001; TOPMed 0.00001.
gnomAD v4.1: 3 of 1,604,842 alleles (0.00019%); highest among the groups gnomAD compares: African/African-American, 0.0027%; no homozygotes.

Submissions (4):

Natera, Inc.
Classification: Likely pathogenic for Pontocerebellar hypoplasia, type 6. Last evaluated: 2025-12-15. Review status: criteria provided, single submitter. Criteria: Natera Variant Classification Schema (03/2026). Collection method: clinical testing. Allele origin: germline.
Comment: The c.879-1G>C variant in RARS2 is a canonical splice acceptor site variant predicted to affect pre-mRNA splicing, which may result in an abnormal transcript and altered protein product. This variant is expected to result in nonsense mediated decay, truncation, or a dysfunctional protein product. This variant is rare in the general population with a frequency below the threshold expected for the associated phenotype(s). Given the available evidence, this variant is classified as Likely Pathogenic.

GeneDx
Classification: Likely pathogenic. Last evaluated: 2025-11-08. Review status: criteria provided, single submitter. Criteria: GeneDx Variant Classification Process June 2021. Collection method: clinical testing. Allele origin: germline. Affected: yes.
Comment: Canonical splice site variant predicted to result in an in-frame loss of the adjacent exon in a gene for which loss of function is a known mechanism of disease; Not observed at significant frequency in large population cohorts (gnomAD); Has not been previously published as pathogenic or benign to our knowledge

Labcorp Genetics (formerly Invitae), Labcorp
Classification: Likely pathogenic. Last evaluated: 2025-07-28. Review status: criteria provided, single submitter. Criteria: Invitae Variant Classification Sherloc (09022015). Collection method: clinical testing. Allele origin: germline.
Comment: This sequence change affects an acceptor splice site in intron 10 of the RARS2 gene. It is expected to disrupt RNA splicing. Variants that disrupt the donor or acceptor splice site typically lead to a loss of protein function (PMID: 16199547), and loss-of-function variants in RARS2 are known to be pathogenic (PMID: 17847012, 22569581, 26083569). The frequency data for this variant in the population databases is considered unreliable, as metrics indicate poor data quality at this position in the gnomAD database. This variant has not been reported in the literature in individuals affected with RARS2-related conditions. ClinVar contains an entry for this variant (Variation ID: 1067780). Algorithms developed to predict the effect of sequence changes on RNA splicing suggest that this variant may disrupt the consensus splice site. In summary, the currently available evidence indicates that the variant is pathogenic, but additional data are needed to prove that conclusively. Therefore, this variant has been classified as Likely Pathogenic.

Baylor Genetics
Classification: Pathogenic for Pontocerebellar hypoplasia type 6. Last evaluated: 2024-02-25. Review status: criteria provided, single submitter. Criteria: ACMG Guidelines, 2015. Collection method: clinical testing. Allele origin: unknown.

Literature cited by the submitters: PubMed 16199547 (cited by Labcorp Genetics (formerly Invitae), Labcorp); PubMed 17847012 (cited by Labcorp Genetics (formerly Invitae), Labcorp); PubMed 22569581 (cited by Labcorp Genetics (formerly Invitae), Labcorp); PubMed 26083569 (cited by Labcorp Genetics (formerly Invitae), Labcorp).

NM_020320.5(RARS2):c.879-1G>C

Gene: RARS2 (arginyl-tRNA synthetase 2, mitochondrial; minus strand). Cytogenetic location: 6q15.
Variant type: single nucleotide variant.
Coding change: c.879-1G>C on transcript NM_020320.5 (MANE Select); the canonical splice acceptor site of the intron before coding-DNA position 879, G replaced by C.
Molecular consequence: splice acceptor variant. On other transcripts: non-coding transcript variant (1).
Genome position (GRCh38, 1-based): chr6:87,524,653, C>G on the plus strand (G>C on the coding strand, the complement: RARS2 is on the minus strand). VCF-style: chr6-87524653-C-G. GRCh37 (hg19) VCF-style: chr6-88234371-C-G.
Other names: c.879-1G>C (NM_001350505.2, NM_020320.4); c.354-1G>C (NM_001350509.2, NM_001318785.2, NM_001350506.2 and 4 more transcripts).
Identifiers: ClinVar variation 1067780 (VCV001067780.14), dbSNP rs1428801547, ClinGen allele CA364927139.